The following is an entry in ClinVar:

NM_000059.4(BRCA2):c.9256+4715G>A

Gene: BRCA2 (BRCA2 DNA repair associated; plus strand). Cytogenetic location: 13q13.1.
Variant type: single nucleotide variant.
Coding change: c.9256+4715G>A on transcript NM_000059.4 (MANE Select); 4715 bases into the intron after coding-DNA position 9256, G replaced by A.
Molecular consequence: intron variant.
Genome position (GRCh38, 1-based): chr13:32,384,860, G>A. VCF-style: chr13-32384860-G-A. GRCh37 (hg19) VCF-style: chr13-32958997-G-A.
Other names: IVS 24+4715G>A.
Identifiers: ClinVar variation 209867 (VCV000209867.1), dbSNP rs75257853, ClinGen allele CA276835.

ClinVar aggregate classification (germline): Benign (3 of 4 stars; one submission).

Conditions:
Breast-ovarian cancer, familial, susceptibility to, 2 (BROVCA2). Also called: BRCA2 Hereditary Breast and Ovarian Cancer. Identifiers: Orphanet 145, MedGen C2675520, MONDO:0012933, OMIM 612555. Disease mechanism: loss of function.

Allele frequency attached by ClinVar (database versions not stated): TOPMed 0.00363; gnomAD 0.00486 and 0.00190; gnomAD exomes 0.00769; 1000 Genomes Project 30x 0.02514; 1000 Genomes Project 0.02636.
gnomAD v4.1: 1,760 of 287,322 alleles (0.61%); highest among the groups gnomAD compares: South Asian, 6.6%; 68 homozygotes.

Submission:

Evidence-based Network for the Interpretation of Germline Mutant Alleles (ENIGMA)
Classification: Benign for Breast-ovarian cancer, familial 2. Last evaluated: 2015-01-12. Review status: reviewed by expert panel. Criteria: ENIGMA BRCA1/2 Classification Criteria (2015). Collection method: curation. Allele origin: germline.
Comment: Class 1 not pathogenic based on frequency >1% in an outbred sampleset. Frequency 0.0507 (Asian), derived from 1000 genomes (2012-04-30).